The following is an entry in ClinVar:

ClinVar aggregate classification (germline): Likely benign (1 of 4 stars; one submission).

Submission:

CeGaT Center for Human Genetics Tuebingen
Classification: Likely benign. Last evaluated: 2024-01-01. Review status: criteria provided, single submitter. Criteria: CeGaT Center For Human Genetics Tuebingen Variant Classification Criteria Version 2. Collection method: clinical testing. Allele origin: germline. Affected: yes. Observed: 5 variant alleles.
Comment: MEG3: BS2

NC_000014.9:g.100835277del

Gene: MEG3 (maternally expressed 3; plus strand). Cytogenetic location: 14q32.2.
Variant type: Deletion.
Genome position: GRCh38 VCF-style: chr14-100835270-GC-G. GRCh37 (hg19) VCF-style: chr14-101301607-GC-G.
Identifiers: ClinVar variation 2644541 (VCV002644541.24), dbSNP rs370847475, ClinGen allele CA266912219.